The following is an entry in ClinVar:

NM_000525.4(KCNJ11):c.466G>A (p.Gly156Arg)

Gene: KCNJ11 (potassium inwardly rectifying channel subfamily J member 11; minus strand). Cytogenetic location: 11p15.1.
Variant type: single nucleotide variant.
Coding change: c.466G>A on transcript NM_000525.4 (MANE Select); coding-DNA position 466, G replaced by A.
Protein change: p.Gly156Arg; replaces glycine 156 with arginine.
Molecular consequence: missense variant.
Genome position (GRCh38, 1-based): chr11:17,387,626, C>T on the plus strand (G>A on the coding strand, the complement: KCNJ11 is on the minus strand). VCF-style: chr11-17387626-C-T. GRCh37 (hg19) VCF-style: chr11-17409173-C-T.
Other names: c.205G>A, p.Gly69Arg (NM_001166290.2, NM_001377296.1, NM_001377297.1); short protein forms G156R, G69R.
Identifiers: ClinVar variation 8684 (VCV000008684.2), dbSNP rs1404429785, ClinGen allele CA379773518.

ClinVar aggregate classification (germline): Conflicting classifications of pathogenicity. Review status: criteria provided, conflicting classifications (1 of 4 stars). 3 submissions from 2 submitters: Likely risk allele (1); Uncertain significance (1). 1 of the submissions does not count toward it.

Conditions:
Hyperinsulinemic hypoglycemia, familial, 2. Also called: HYPERINSULINEMIC HYPOGLYCEMIA, PERSISTENT; HYPERINSULINISM, NEONATAL. Identifiers: Orphanet 276580, Orphanet 276603, MedGen C2931833, MONDO:0011153, OMIM 601820. Disease mechanism: loss of function.
Hyperinsulinemia. Also called: Hyperinsulinism. Identifiers: MedGen C0020459, MONDO:0002177, HP:0000842.
Hypoglycemia. Identifiers: MedGen C0020615, MONDO:0004946, HP:0001943.

Submissions (3):

Clinical Genomics, Uppaluri K&H Personalized Medicine Clinic
Classification: Uncertain significance for Hyperinsulinemia. Review status: criteria provided, single submitter. Criteria: K & H Uppaluri Personalized Medicine Clinic Variant Classification & Assertion Criteria_Updated V.1. Collection method: research. Allele origin: somatic. Inheritance: Autosomal dominant inheritance.
Comment: Mutations in KCNJ11 gene can cause decreased production and secretion of insulin. This can lead to MODY which is responsive to oral sulfonylureas. However, the role of this particular variant (rs1404429785) in MODY remains uncertain yet.

Clinical Genomics, Uppaluri K&H Personalized Medicine Clinic
Classification: Likely risk allele for Hypoglycemia. Review status: criteria provided, single submitter. Criteria: K & H Uppaluri Personalized Medicine Clinic Variant Classification & Assertion Criteria_Updated V.1. Collection method: research. Allele origin: somatic. Inheritance: Autosomal dominant inheritance. Affected: yes.
Comment: Mutations in KCNJ11 gene can cause decreased production and secretion of insulin. This can lead to MODY which may be responsive to oral sulfonylureas. However, this particular variant (rs1404429785) of KCNJ11 is associated with hypoglycemia.

OMIM
Classification: Pathogenic for HYPERINSULINEMIC HYPOGLYCEMIA, FAMILIAL, 2. Last evaluated: 2008-08-01. Review status: no assertion criteria provided. Collection method: literature only. Allele origin: germline. Not counted in ClinVar's aggregate classification.

Literature cited by the submitters: PubMed 23700433 (cited by Clinical Genomics, Uppaluri K&H Personalized Medicine Clinic); PubMed 20032456 (cited by Clinical Genomics, Uppaluri K&H Personalized Medicine Clinic); PubMed 18596924 (cited by Clinical Genomics, Uppaluri K&H Personalized Medicine Clinic and OMIM).